The following is an entry in ClinVar:

NM_003560.4(PLA2G6):c.1880-8G>A

Gene: PLA2G6 (phospholipase A2 group VI; minus strand). Cytogenetic location: 22q13.1.
Variant type: single nucleotide variant.
Coding change: c.1880-8G>A on transcript NM_003560.4 (MANE Select); 8 bases into the intron before coding-DNA position 1880, G replaced by A.
Molecular consequence: intron variant.
Genome position (GRCh38, 1-based): chr22:38,115,689, C>T on the plus strand (G>A on the coding strand, the complement: PLA2G6 is on the minus strand). VCF-style: chr22-38115689-C-T. GRCh37 (hg19) VCF-style: chr22-38511696-C-T.
Other names: p.?; c.1202-8G>A (NM_001349868.2); c.1718-8G>A (NM_001349866.2, NM_001199562.3, NM_001349865.2 and 1 more transcripts); c.1184-8G>A (NM_001349869.2); c.1346-8G>A (NM_001349867.2); c.1880-8G>A (NM_001349864.2).
Identifiers: ClinVar variation 1651747 (VCV001651747.9), dbSNP rs570033641, ClinGen allele CA10230681.

ClinVar aggregate classification (germline): Likely benign. Review status: criteria provided, multiple submitters, no conflicts (2 of 4 stars). 2 submissions from 2 submitters: Likely benign (2). Last evaluated 2025-08-22.

Conditions:
Infantile neuroaxonal dystrophy (NBIA2A). Also called: NEURODEGENERATION WITH BRAIN IRON ACCUMULATION 2A; SEITELBERGER DISEASE; Infantile neuroaxonal dystrophy 1. Identifiers: Orphanet 35069, MedGen C0270724, MONDO:0024457, OMIM 256600.

Allele frequency attached by ClinVar (database versions not stated): gnomAD 0.00001 and 0.00002; ExAC 0.00006; TOPMed below 0.00001; 1000 Genomes Project 0.00020; 1000 Genomes Project 30x 0.00031.
gnomAD v4.1: 60 of 1,596,246 alleles (0.0038%); highest among the groups gnomAD compares: Non-Finnish European, 0.0046%; no homozygotes.

Submissions (2):

Mayo Clinic Laboratories, Mayo Clinic
Classification: Likely benign. Last evaluated: 2025-08-22. Review status: criteria provided, single submitter. Criteria: ACMG Guidelines, 2015. Collection method: clinical testing. Allele origin: germline. Observed: 1 variant allele.
Comment: BP4, BP7

Labcorp Genetics (formerly Invitae), Labcorp
Classification: Likely benign for Infantile neuroaxonal dystrophy. Last evaluated: 2025-04-21. Review status: criteria provided, single submitter. Criteria: Invitae Variant Classification Sherloc (09022015). Collection method: clinical testing. Allele origin: germline.